The following is an entry in ClinVar:

NM_002860.4(ALDH18A1):c.1315G>A (p.Gly439Ser)

Gene: ALDH18A1 (aldehyde dehydrogenase 18 family member A1; minus strand). Cytogenetic location: 10q24.1.
Variant type: single nucleotide variant.
Coding change: c.1315G>A on transcript NM_002860.4 (MANE Select); coding-DNA position 1315, G replaced by A.
Protein change: p.Gly439Ser; replaces glycine 439 with serine.
Molecular consequence: missense variant.
Genome position (GRCh38, 1-based): chr10:95,621,183, C>T on the plus strand (G>A on the coding strand, the complement: ALDH18A1 is on the minus strand). VCF-style: chr10-95621183-C-T. GRCh37 (hg19) VCF-style: chr10-97380940-C-T.
Other names: c.1309G>A, p.Gly437Ser (NM_001017423.2, NM_001323415.2); c.982G>A, p.Gly328Ser (NM_001323412.2, NM_001323416.2); c.1315G>A, p.Gly439Ser (NM_001323413.2, NM_001323414.2); c.1210G>A, p.Gly404Ser (NM_001323417.2); c.976G>A, p.Gly326Ser (NM_001323418.2); c.679G>A, p.Gly227Ser (NM_001323419.2); short protein forms G439S, G326S, G404S, G227S, G437S, G328S.
Identifiers: ClinVar variation 430484 (VCV000430484.14), dbSNP rs141292408, ClinGen allele CA5620352.
Genomic context (GRCh38, chr10:95,621,183, plus strand): 5'-GGGTGCGGCGCAAAACACGTCCCACGCTGTCCTGGGAGGAGGCTGCGATCTGTCGCAGAC[C>T]GATGGCCAGGCTGTTCAATTTGGATGTGGAGAGGCTTAAACGTTTCAGCAGAGGAGCTGC-3'
Protein context (NP_002851.2, residues 429-449): STSKLNSLAI[Gly439Ser]LRQIAASSQD

ClinVar aggregate classification (germline): Uncertain significance. Review status: criteria provided, multiple submitters, no conflicts (2 of 4 stars). 4 submissions from 4 submitters: Uncertain significance (4). Last evaluated 2025-12-20.

Conditions:
Autosomal dominant spastic paraplegia type 9. Identifiers: MedGen C1832669, MONDO:0015091.
Cutis laxa, autosomal dominant 3 (ADCL3). Identifiers: Orphanet 90348, MedGen C4225268, MONDO:0014706, OMIM 616603.
de Barsy syndrome. Also called: Cutis laxa-corneal clouding-oligophrenia syndrome. Identifiers: Orphanet 2962, MedGen C0268354, MONDO:0017569.
ALDH18A1-related de Barsy syndrome. Also called: Cutis laxa, autosomal recessive IIIA; DE BARSY SYNDROME A. Identifiers: Orphanet 2962, Orphanet 35664, MedGen C5234852, MONDO:0009053, OMIM 219150.

Allele frequency attached by ClinVar (database versions not stated): ExAC 0.00002; gnomAD exomes 0.00004; 1000 Genomes Project 30x 0.00016; gnomAD 0.00001 and 0.00003; TOPMed 0.00001; ESP Exome Variant Server 0.00008; 1000 Genomes Project 0.00020.
gnomAD v4.1: 62 of 1,614,020 alleles (0.0038%); highest among the groups gnomAD compares: East Asian, 0.074%; no homozygotes.

Submissions (4):

Labcorp Genetics (formerly Invitae), Labcorp
Classification: Uncertain significance for Autosomal dominant spastic paraplegia type 9; de Barsy syndrome; Cutis laxa, autosomal dominant 3. Last evaluated: 2025-12-20. Review status: criteria provided, single submitter. Criteria: Invitae Variant Classification Sherloc (09022015). Collection method: clinical testing. Allele origin: germline.
Comment: This sequence change replaces glycine, which is neutral and non-polar, with serine, which is neutral and polar, at codon 439 of the ALDH18A1 protein (p.Gly439Ser). This variant is present in population databases (rs141292408, gnomAD 0.04%). This variant has not been reported in the literature in individuals affected with ALDH18A1-related conditions. ClinVar contains an entry for this variant (Variation ID: 430484). Invitae Evidence Modeling of protein sequence and biophysical properties (such as structural, functional, and spatial information, amino acid conservation, physicochemical variation, residue mobility, and thermodynamic stability) has been performed for this missense variant. However, the output from this modeling did not meet the statistical confidence thresholds required to predict the impact of this variant on ALDH18A1 protein function. In summary, the available evidence is currently insufficient to determine the role of this variant in disease. Therefore, it has been classified as a Variant of Uncertain Significance.

Dasa
Classification: Uncertain significance. Last evaluated: 2025-06-25. Review status: criteria provided, single submitter. Criteria: DASA Assertion Criteria. Collection method: clinical testing. Allele origin: germline.
Comment: NM_002860.4(ALDH18A1):c.1315G>A (p.Gly439Ser) is a missense variant that results in the substitution of glycine with serine. This variant is rare in population databases. The currently available literature and clinical evidence are not sufficient to establish a definitive association between this variant and the reported condition. Therefore, this variant is classified as a variant of uncertain significance.

GeneDx
Classification: Uncertain significance. Last evaluated: 2024-05-08. Review status: criteria provided, single submitter. Criteria: GeneDx Variant Classification Process June 2021. Collection method: clinical testing. Allele origin: germline. Affected: yes.
Comment: Has not been previously published as pathogenic or benign to our knowledge; In silico analysis supports that this missense variant has a deleterious effect on protein structure/function

Illumina Laboratory Services, Illumina
Classification: Uncertain significance for ALDH18A1-related de Barsy syndrome. Last evaluated: 2018-01-13. Review status: criteria provided, single submitter. Criteria: ICSL Variant Classification Criteria 13 December 2019. Collection method: clinical testing. Allele origin: germline.